The following is an entry in ClinVar:

NM_004728.4(DDX21):c.1221G>A (p.Thr407=)

Gene: DDX21 (DExD-box helicase 21; plus strand). Cytogenetic location: 10q22.1.
Variant type: single nucleotide variant.
Coding change: c.1221G>A on transcript NM_004728.4 (MANE Select); coding-DNA position 1221, G replaced by A.
Protein change: p.Thr407=; no amino-acid change (threonine 407 retained).
Molecular consequence: synonymous variant.
Genome position (GRCh38, 1-based): chr10:68,969,106, G>A. VCF-style: chr10-68969106-G-A. GRCh37 (hg19) VCF-style: chr10-70728862-G-A.
Other names: c.1017G>A, p.Thr339= (NM_001256910.2); c.1221G>A, p.Thr407= (NM_001410932.1).
Identifiers: ClinVar variation 3388816 (VCV003388816.14).
Genomic context (GRCh38, chr10:68,969,106, plus strand): 5'-GAAATACATGAAATCTACATATGAACAGGTGGACCTGATTGGTAAAAAGACTCAGAAAAC[G>A]GCAATAACTGTGGAGGTAAATTATTTACTTAGTTGCCAGAATATAAAATTGTATATATTT-3'
Protein context (NP_004719.2, residues 397-417): VDLIGKKTQK[Thr407=]AITVEHLAIK

ClinVar aggregate classification (germline): Likely benign (1 of 4 stars; one submission).

gnomAD v4.1: 65 of 1,610,234 alleles (0.004%); highest among the groups gnomAD compares: East Asian, 0.0022%; no homozygotes.

Submission:

CeGaT Center for Human Genetics Tuebingen
Classification: Likely benign. Last evaluated: 2024-10-01. Review status: criteria provided, single submitter. Criteria: CeGaT Center For Human Genetics Tuebingen Variant Classification Criteria Version 2. Collection method: clinical testing. Allele origin: germline. Affected: yes. Observed: 1 variant allele.
Comment: DDX21: BP4, BP7